The following is an entry in ClinVar:

ClinVar aggregate classification (germline): Uncertain significance. Review status: criteria provided, multiple submitters, no conflicts (2 of 4 stars). 2 submissions from 2 submitters: Uncertain significance (2). Last evaluated 2025-01-08.

Conditions:
MAGI2-related disorder. Also called: MAGI2-related condition.

Allele frequency attached by ClinVar (database versions not stated): ExAC 0.00001.
gnomAD v4.1: 63 of 1,612,982 alleles (0.0039%); highest among the groups gnomAD compares: Non-Finnish European, 0.0053%; no homozygotes.

Submissions (2):

Ambry Genetics
Classification: Uncertain significance. Last evaluated: 2025-01-08. Review status: criteria provided, single submitter. Criteria: Ambry Variant Classification Scheme 2023. Collection method: clinical testing. Allele origin: germline.

PreventionGenetics, part of Exact Sciences
Classification: Uncertain significance for MAGI2-related condition. Last evaluated: 2023-04-05. Review status: criteria provided, single submitter. Criteria: ACMG Guidelines, 2015. Collection method: clinical testing. Allele origin: germline.
Comment: The MAGI2 c.2380G>T variant is predicted to result in the amino acid substitution p.Gly794Trp. To our knowledge, this variant has not been reported in the literature. This variant is reported in 0.00088% of alleles in individuals of European (Non-Finnish) descent in gnomAD. At this time, the clinical significance of this variant is uncertain due to the absence of conclusive functional and genetic evidence.

NM_012301.4(MAGI2):c.2380G>T (p.Gly794Trp)

Gene: MAGI2 (membrane associated guanylate kinase, WW and PDZ domain containing 2; minus strand). Cytogenetic location: 7q21.11.
Variant type: single nucleotide variant.
Coding change: c.2380G>T on transcript NM_012301.4 (MANE Select); coding-DNA position 2380, G replaced by T.
Protein change: p.Gly794Trp; replaces glycine 794 with tryptophan.
Molecular consequence: missense variant.
Genome position (GRCh38, 1-based): chr7:78,178,034, C>A on the plus strand (G>T on the coding strand, the complement: MAGI2 is on the minus strand). VCF-style: chr7-78178034-C-A. GRCh37 (hg19) VCF-style: chr7-77807351-C-A.
Other names: c.2338G>T, p.Gly780Trp (NM_001301128.2); short protein forms G780W, G794W.
Identifiers: ClinVar variation 2632034 (VCV002632034.2), dbSNP rs776408241, ClinGen allele CA4313794.